The following is an entry in ClinVar:

NM_001205293.3(CACNA1E):c.4399T>C (p.Phe1467Leu)

Gene: CACNA1E (calcium voltage-gated channel subunit alpha1 E; plus strand). Cytogenetic location: 1q25.3.
Variant type: single nucleotide variant.
Coding change: c.4399T>C on transcript NM_001205293.3 (MANE Select); coding-DNA position 4399, T replaced by C.
Protein change: p.Phe1467Leu; replaces phenylalanine 1467 with leucine.
Molecular consequence: missense variant.
Genome position (GRCh38, 1-based): chr1:181,758,016, T>C. VCF-style: chr1-181758016-T-C. GRCh37 (hg19) VCF-style: chr1-181727152-T-C.
Other names: c.4399T>C, p.Phe1467Leu (NM_000721.4); c.4342T>C, p.Phe1448Leu (NM_001205294.2); short protein forms F1448L, F1467L.
Identifiers: ClinVar variation 2662444 (VCV002662444.1), dbSNP rs2528985828, ClinGen allele CA343624929.

ClinVar aggregate classification (germline): Uncertain significance (1 of 4 stars; one submission).

Submission:

GeneDx
Classification: Uncertain significance. Last evaluated: 2023-04-06. Review status: criteria provided, single submitter. Criteria: GeneDx Variant Classification Process June 2021. Collection method: clinical testing. Allele origin: germline. Affected: yes.
Comment: Not observed at significant frequency in large population cohorts (gnomAD); In silico analysis supports that this missense variant has a deleterious effect on protein structure/function; Has not been previously published as pathogenic or benign to our knowledge